The following is an entry in ClinVar:

NM_001394998.1(TANC2):c.5765C>A (p.Thr1922Asn)

Gene: TANC2 (tetratricopeptide repeat, ankyrin repeat and coiled-coil containing 2; plus strand). Cytogenetic location: 17q23.3.
Variant type: single nucleotide variant.
Coding change: c.5765C>A on transcript NM_001394998.1 (MANE Select); coding-DNA position 5765, C replaced by A.
Protein change: p.Thr1922Asn; replaces threonine 1922 with asparagine.
Molecular consequence: missense variant.
Genome position (GRCh38, 1-based): chr17:63,421,495, C>A. VCF-style: chr17-63421495-C-A. GRCh37 (hg19) VCF-style: chr17-61498856-C-A.
Other names: c.5543C>A, p.Thr1848Asn (NM_001411076.1); c.5513C>A, p.Thr1838Asn (NM_025185.4); short protein forms T1838N, T1848N, T1922N.
Identifiers: ClinVar variation 3371688 (VCV003371688.1).

ClinVar aggregate classification (germline): Uncertain significance (1 of 4 stars; one submission).

Submission:

GeneDx
Classification: Uncertain significance. Last evaluated: 2024-03-28. Review status: criteria provided, single submitter. Criteria: GeneDx Variant Classification Process June 2021. Collection method: clinical testing. Allele origin: germline. Affected: yes.
Comment: Not observed at significant frequency in large population cohorts (gnomAD); In silico analysis supports that this missense variant does not alter protein structure/function; Has not been previously published as pathogenic or benign to our knowledge